The following is an entry in ClinVar:

ClinVar aggregate classification (germline): Likely pathogenic (1 of 4 stars; one submission).

Conditions:
Marfan syndrome (MFS). Also called: MARFAN SYNDROME, TYPE I; Marfan syndrome type 1; Marfan's syndrome; Marfan syndrome, classic; FBN1-Related Marfan Syndrome. Identifiers: Orphanet 284963, Orphanet 558, MedGen C0024796, MONDO:0007947, OMIM 154700.
Familial thoracic aortic aneurysm and aortic dissection (TAAD). Also called: Thoracic aortic aneurysms and dissections. Identifiers: Orphanet 91387, MedGen C4707243, MONDO:0019625.

Submission:

Labcorp Genetics (formerly Invitae), Labcorp
Classification: Likely pathogenic for Marfan syndrome; Familial thoracic aortic aneurysm and aortic dissection. Last evaluated: 2023-10-24. Review status: criteria provided, single submitter. Criteria: Invitae Variant Classification Sherloc (09022015). Collection method: clinical testing. Allele origin: germline.
Comment: This sequence change replaces glutamic acid, which is acidic and polar, with lysine, which is basic and polar, at codon 2169 of the FBN1 protein (p.Glu2169Lys). This variant is not present in population databases (gnomAD no frequency). This missense change has been observed in individual(s) with clinical features of Marfan syndrome and/or thoracic aortic aneurysm and dissection (Invitae). It has also been observed to segregate with disease in related individuals. Advanced modeling of protein sequence and biophysical properties (such as structural, functional, and spatial information, amino acid conservation, physicochemical variation, residue mobility, and thermodynamic stability) performed at Invitae indicates that this missense variant is expected to disrupt FBN1 protein function with a positive predictive value of 95%. Experimental studies have shown that this missense change does not substantially affect FBN1 function (PMID: 10229672). This variant disrupts the p.Glu2169 amino acid residue in FBN1. Other variant(s) that disrupt this residue have been observed in individuals with FBN1-related conditions (PMID: 17418587), which suggests that this may be a clinically significant amino acid residue. In summary, the currently available evidence indicates that the variant is pathogenic, but additional data are needed to prove that conclusively. Therefore, this variant has been classified as Likely Pathogenic.

Literature cited by the submitters: PubMed 10229672; PubMed 17418587.

NM_000138.5(FBN1):c.6505G>A (p.Glu2169Lys)

Gene: FBN1 (fibrillin 1; minus strand). Cytogenetic location: 15q21.1.
Variant type: single nucleotide variant.
Coding change: c.6505G>A on transcript NM_000138.5 (MANE Select); coding-DNA position 6505, G replaced by A.
Protein change: p.Glu2169Lys; replaces glutamic acid 2169 with lysine.
Molecular consequence: missense variant.
Genome position (GRCh38, 1-based): chr15:48,434,705, C>T on the plus strand (G>A on the coding strand, the complement: FBN1 is on the minus strand). VCF-style: chr15-48434705-C-T. GRCh37 (hg19) VCF-style: chr15-48726902-C-T.
Other names: c.6505G>A, p.Glu2169Lys (NM_001406716.1); short protein forms E2169K.
Identifiers: ClinVar variation 2948442 (VCV002948442.3), dbSNP rs1013747861, ClinGen allele CA392335313.